The following is an entry in ClinVar:

NM_000179.3(MSH6):c.4068_*22dup (p.Leu1356_Ter1361=)

Gene: MSH6 (mutS homolog 6; plus strand). Cytogenetic location: 2p16.3.
Variant type: Duplication.
Coding change: c.4068_*22dup on transcript NM_000179.3 (MANE Select); coding-DNA position 4068 through 22 bases downstream of the stop codon, 38 bases duplicated.
Protein change: p.Leu1356_Ter1361=.
Molecular consequence: no sequence alteration. On other transcripts: 3 prime UTR variant (5), non-coding transcript variant (5).
Genome position (GRCh38, 1-based): chr2:47,806,845-47,806,882, 38 bases duplicated. GRCh37 (hg19): chr2:48,033,984-48,034,021.
Other names: c.3678_*22dup, p.Leu1226_Ter1231= (NM_001281492.2); c.3162_*22dup, p.Leu1054_Ter1059= (NM_001281493.2, NM_001281494.2, NM_001406811.1 and 6 more transcripts); c.4164_*22dup, p.Leu1388_Ter1393= (NM_001406795.1); c.4068_*22dup, p.Leu1356_Ter1361= (NM_001406796.1, NM_001406809.1); c.3771_*22dup, p.Leu1257_Ter1262= (NM_001406797.1, NM_001406805.1, NM_001406818.1 and 8 more transcripts); c.3894_*22dup, p.Leu1298_Ter1303= (NM_001406798.1); c.3543_*22dup, p.Leu1181_Ter1186= (NM_001406799.1, NM_001406806.1, NM_001406807.1); c.*89_*126dup (NM_001406800.1); and 9 more.
Identifiers: ClinVar variation 1461590 (VCV001461590.6), dbSNP rs1204768952, ClinGen allele CA532705591.

ClinVar aggregate classification (germline): Uncertain significance (1 of 4 stars; one submission).

Conditions:
Hereditary nonpolyposis colorectal neoplasms. Identifiers: MedGen C0009405, MeSH D003123.

Submission:

Labcorp Genetics (formerly Invitae), Labcorp
Classification: Uncertain significance for Hereditary nonpolyposis colorectal neoplasms. Last evaluated: 2023-11-03. Review status: criteria provided, single submitter. Criteria: Invitae Variant Classification Sherloc (09022015). Collection method: clinical testing. Allele origin: germline.
Comment: This variant occurs in a non-coding region of the MSH6 gene. It does not change the encoded amino acid sequence of the MSH6 protein. This variant is present in population databases (no rsID available, gnomAD 0.01%). This variant has not been reported in the literature in individuals affected with MSH6-related conditions. ClinVar contains an entry for this variant (Variation ID: 1461590). Experimental studies and prediction algorithms are not available or were not evaluated, and the functional significance of this variant is currently unknown. In summary, the available evidence is currently insufficient to determine the role of this variant in disease. Therefore, it has been classified as a Variant of Uncertain Significance.